The following is an entry in ClinVar:

ClinVar aggregate classification (germline): Uncertain significance (1 of 4 stars; one submission).

Conditions:
Hereditary pancreatitis (PCTT). Also called: Hereditary chronic pancreatitis; PRSS1-Related Hereditary Pancreatitis. Identifiers: Orphanet 676, MedGen C0238339, MONDO:0008185, OMIM 167800.

Allele frequency attached by ClinVar (database versions not stated): gnomAD exomes below 0.00001.
gnomAD v4.1: 2 of 1,613,608 alleles (0.00012%); highest among the groups gnomAD compares: Non-Finnish European, 0.00017%; no homozygotes.

Submission:

Ambry Genetics
Classification: Uncertain significance for Hereditary pancreatitis. Last evaluated: 2021-12-04. Review status: criteria provided, single submitter. Criteria: Ambry Variant Classification Scheme 2023. Collection method: clinical testing. Allele origin: germline.
Comment: The p.V236E variant (also known as c.707T>A), located in coding exon 5 of the PRSS1 gene, results from a T to A substitution at nucleotide position 707. The valine at codon 236 is replaced by glutamic acid, an amino acid with dissimilar properties. This amino acid position is conserved. In addition, the in silico prediction for this alteration is inconclusive. Since supporting evidence is limited at this time, the clinical significance of this alteration remains unclear.

NM_002769.5(PRSS1):c.707T>A (p.Val236Glu)

Genes: TRB (T cell receptor beta locus; plus strand), PRSS1 (serine protease 1; plus strand). Cytogenetic location: 7q34.
Variant type: single nucleotide variant.
Coding change: c.707T>A on transcript NM_002769.5 (MANE Select); coding-DNA position 707, T replaced by A.
Protein change: p.Val236Glu; replaces valine 236 with glutamic acid.
Molecular consequence: missense variant. On other transcripts: non-coding transcript variant (5).
Genome position (GRCh38, 1-based): chr7:142,752,983, T>A. VCF-style: chr7-142752983-T-A. GRCh37 (hg19) VCF-style: chr7-142460834-T-A.
Other names: short protein forms V236E.
Identifiers: ClinVar variation 1757038 (VCV001757038.2), dbSNP rs2485769931, ClinGen allele CA369610994.